The following is an entry in ClinVar:

ClinVar aggregate classification (germline): Likely benign (1 of 4 stars; one submission).

Allele frequency attached by ClinVar (database versions not stated): gnomAD 0.00520 and 0.00552; TOPMed 0.00567; 1000 Genomes Project 0.00659; 1000 Genomes Project 30x 0.00796.
gnomAD v4.1: 782 of 152,192 alleles (0.51%); highest among the groups gnomAD compares: African/African-American, 1.8%; 2 homozygotes.

Submission:

GeneDx
Classification: Likely benign. Last evaluated: 2021-05-23. Review status: criteria provided, single submitter. Criteria: GeneDx Variant Classification Process June 2021. Collection method: clinical testing. Allele origin: germline. Affected: yes.
Comment: See Variant Classification Assertion Criteria.

NM_004621.6(TRPC6):c.1294-179C>T

Gene: TRPC6 (transient receptor potential cation channel subfamily C member 6; minus strand). Cytogenetic location: 11q22.1.
Variant type: single nucleotide variant.
Coding change: c.1294-179C>T on transcript NM_004621.6 (MANE Select); 179 bases into the intron before coding-DNA position 1294, C replaced by T.
Molecular consequence: intron variant.
Genome position (GRCh38, 1-based): chr11:101,483,344, G>A on the plus strand (C>T on the coding strand, the complement: TRPC6 is on the minus strand). VCF-style: chr11-101483344-G-A. GRCh37 (hg19) VCF-style: chr11-101354075-G-A.
Identifiers: ClinVar variation 1683811 (VCV001683811.2), dbSNP rs149515065, ClinGen allele CA227519339.